The following is an entry in ClinVar:

ClinVar aggregate classification (germline): Pathogenic. Review status: criteria provided, multiple submitters, no conflicts (2 of 4 stars). 2 submissions from 2 submitters: Pathogenic (2). Last evaluated 2023-06-07.

Conditions:
Hereditary cancer-predisposing syndrome. Also called: Hereditary Cancer Syndrome; Hereditary neoplastic syndrome; Tumor predisposition; Neoplastic Syndromes, Hereditary. Identifiers: Orphanet 140162, MedGen C0027672, MeSH D009386, MONDO:0015356.
Familial cancer of breast. Also called: BREAST CANCER, FAMILIAL; Hereditary breast cancer; hereditary breast carcinoma. Identifiers: Orphanet 227535, MedGen C0346153, MONDO:0016419, OMIM 114480. Disease mechanism: loss of function.

Submissions (2):

Myriad Genetics, Inc.
Classification: Pathogenic for Familial cancer of breast. Last evaluated: 2023-06-07. Review status: criteria provided, single submitter. Criteria: Myriad Autosomal Dominant, Autosomal Recessive and X-Linked Classification Criteria (2023). Collection method: clinical testing. Allele origin: unknown.
Comment: This variant is considered pathogenic. This variant creates a frameshift predicted to result in premature protein truncation.

Ambry Genetics
Classification: Pathogenic for Hereditary cancer-predisposing syndrome. Last evaluated: 2021-07-13. Review status: criteria provided, single submitter. Criteria: Ambry Variant Classification Scheme 2023. Collection method: clinical testing. Allele origin: germline.
Comment: The c.2520_2521dupAG pathogenic mutation, located in coding exon 17 of the BRIP1 gene, results from a duplication of AG at nucleotide position 2520, causing a translational frameshift with a predicted alternate stop codon (p.A841Efs*5). This alteration is expected to result in loss of function by premature protein truncation or nonsense-mediated mRNA decay. As such, this alteration is interpreted as a disease-causing mutation.

NM_032043.3(BRIP1):c.2520_2521dup (p.Ala841fs)

Gene: BRIP1 (BRCA1 interacting DNA helicase 1; minus strand). Cytogenetic location: 17q23.2.
Variant type: Duplication.
Coding change: c.2520_2521dup on transcript NM_032043.3 (MANE Select); coding-DNA positions 2520 to 2521, 2 bases duplicated (AG; older notation c.2520_2521dupAG).
Protein change: p.Ala841fs; shifts the reading frame from alanine 841.
Molecular consequence: frameshift variant.
Genome position (GRCh38, 1-based): chr17:61,693,484-61,693,485, CT duplicated on the plus strand (AG on the coding strand, the reverse complement: BRIP1 is on the minus strand); duplicating any 2 consecutive bases within chr17:61,693,484-61,693,486 gives the same sequence; the c. name uses the placement nearest the transcript's 3' end. VCF-style (leftmost placement, unchanged base first): chr17-61693483-G-GCT. GRCh37 (hg19) VCF-style: chr17-59770844-G-GCT.
Other names: c.2520_2521dupAG (NM_032043.2); short protein forms A841fs.
Identifiers: ClinVar variation 1792529 (VCV001792529.4), dbSNP rs2544604612, ClinGen allele CA2580094482.